The following is an entry in ClinVar:

NC_000017.10:g.(?_59924456)_(59926623_?)dup

Gene: BRIP1 (BRCA1 interacting DNA helicase 1; minus strand). Cytogenetic location: 17q23.2.
Variant type: Duplication.
Identifiers: ClinVar variation 1066775 (VCV001066775.3).

ClinVar aggregate classification (germline): Likely pathogenic (1 of 4 stars; one submission).

Conditions:
Familial cancer of breast. Also called: Hereditary breast cancer; BREAST CANCER, FAMILIAL; hereditary breast carcinoma. Identifiers: Orphanet 227535, MedGen C0346153, MONDO:0016419, OMIM 114480. Disease mechanism: loss of function.
Fanconi anemia complementation group J. Also called: BRIP1-Related Fanconi Anemia. Identifiers: Orphanet 84, MedGen C1836860, MONDO:0012187, OMIM 609054.

Submission:

Labcorp Genetics (formerly Invitae), Labcorp
Classification: Likely pathogenic for Familial cancer of breast; Fanconi anemia complementation group J. Last evaluated: 2021-08-12. Review status: criteria provided, single submitter. Criteria: Invitae Variant Classification Sherloc (09022015). Collection method: clinical testing. Allele origin: germline.
Comment: This variant results in a copy number gain of the genomic region encompassing exon(s) 5-6 of the BRIP1 gene. While the exact position of this variant cannot be determined from the data, sub-genic copy number gains are generally in tandem (PMID: 25640679). This variant is predicted to be out-of-frame, and may result in an absent or disrupted protein product. Loss-of-function variants in BRIP1 are known to be pathogenic (PMID: 16116423, 17033622, 21964575). This variant has not been reported in the literature in individuals affected with BRIP1-related conditions. In summary, the currently available evidence indicates that the variant is pathogenic, but additional data are needed to prove that conclusively. Therefore, this variant has been classified as Likely Pathogenic.

Literature cited by the submitters: PubMed 25640679; PubMed 16116423; PubMed 17033622; PubMed 21964575.